The following is an entry in ClinVar:

NM_020458.4(TTC7A):c.2533A>G (p.Ser845Gly)

Gene: TTC7A (tetratricopeptide repeat domain 7A; plus strand). Cytogenetic location: 2p21.
Variant type: single nucleotide variant.
Coding change: c.2533A>G on transcript NM_020458.4 (MANE Select); coding-DNA position 2533, A replaced by G.
Protein change: p.Ser845Gly; replaces serine 845 with glycine.
Molecular consequence: missense variant.
Genome position (GRCh38, 1-based): chr2:47,073,879, A>G. VCF-style: chr2-47073879-A-G. GRCh37 (hg19) VCF-style: chr2-47301018-A-G.
Other names: c.2605A>G, p.Ser869Gly (NM_001288951.2); c.2431A>G, p.Ser811Gly (NM_001288953.2); c.1471A>G, p.Ser491Gly (NM_001288955.2); c.2533A>G (NM_020458.2); short protein forms S491G, S845G, S811G, S869G.
Identifiers: ClinVar variation 2870759 (VCV002870759.4), dbSNP rs1684993931, ClinGen allele CA346718128.

ClinVar aggregate classification (germline): Uncertain significance. Review status: criteria provided, multiple submitters, no conflicts (2 of 4 stars). 2 submissions from 2 submitters: Uncertain significance (2). Last evaluated 2025-12-15.

Conditions:
Multiple gastrointestinal atresias. Also called: FAMILIAL INTESTINAL POLYATRESIA SYNDROME; Multiple intestinal atresia. Identifiers: Orphanet 2300, MedGen C0220744, MONDO:0009465.
Inborn genetic diseases. Identifiers: MedGen C0950123, MeSH D030342.

Allele frequency attached by ClinVar (database versions not stated): gnomAD exomes below 0.00001.
gnomAD v4.1: 3 of 1,613,458 alleles (0.00019%); highest among the groups gnomAD compares: Non-Finnish European, 0.00025%; no homozygotes.

Submissions (2):

Ambry Genetics
Classification: Uncertain significance for Inborn genetic diseases. Last evaluated: 2025-12-15. Review status: criteria provided, single submitter. Criteria: Ambry Variant Classification Scheme 2023. Collection method: clinical testing. Allele origin: germline.

Labcorp Genetics (formerly Invitae), Labcorp
Classification: Uncertain significance for Multiple gastrointestinal atresias. Last evaluated: 2023-11-13. Review status: criteria provided, single submitter. Criteria: Invitae Variant Classification Sherloc (09022015). Collection method: clinical testing. Allele origin: germline.
Comment: This sequence change replaces serine, which is neutral and polar, with glycine, which is neutral and non-polar, at codon 845 of the TTC7A protein (p.Ser845Gly). This variant is not present in population databases (gnomAD no frequency). This variant has not been reported in the literature in individuals affected with TTC7A-related conditions. Advanced modeling of protein sequence and biophysical properties (such as structural, functional, and spatial information, amino acid conservation, physicochemical variation, residue mobility, and thermodynamic stability) performed at Invitae indicates that this missense variant is expected to disrupt TTC7A protein function with a positive predictive value of 80%. In summary, the available evidence is currently insufficient to determine the role of this variant in disease. Therefore, it has been classified as a Variant of Uncertain Significance.